The following is an entry in ClinVar:

ClinVar aggregate classification (germline): Uncertain significance (1 of 4 stars; one submission).

Conditions:
Progressive encephalopathy with leukodystrophy due to DECR deficiency. Identifiers: Orphanet 431361, MedGen C1857252, MONDO:0014464, OMIM 616034.

Submission:

Labcorp Genetics (formerly Invitae), Labcorp
Classification: Uncertain significance for Progressive encephalopathy with leukodystrophy due to DECR deficiency. Last evaluated: 2024-08-08. Review status: criteria provided, single submitter. Criteria: Invitae Variant Classification Sherloc (09022015). Collection method: clinical testing. Allele origin: germline.
Comment: This sequence change replaces aspartic acid, which is acidic and polar, with glycine, which is neutral and non-polar, at codon 333 of the NADK2 protein (p.Asp333Gly). This variant is not present in population databases (gnomAD no frequency). This variant has not been reported in the literature in individuals affected with NADK2-related conditions. Advanced modeling of protein sequence and biophysical properties (such as structural, functional, and spatial information, amino acid conservation, physicochemical variation, residue mobility, and thermodynamic stability) performed at Invitae indicates that this missense variant is not expected to disrupt NADK2 protein function with a negative predictive value of 80%. In summary, the available evidence is currently insufficient to determine the role of this variant in disease. Therefore, it has been classified as a Variant of Uncertain Significance.

NM_001085411.3(NADK2):c.998A>G (p.Asp333Gly)

Gene: NADK2 (NAD kinase 2, mitochondrial; minus strand). Cytogenetic location: 5p13.2.
Variant type: single nucleotide variant.
Coding change: c.998A>G on transcript NM_001085411.3 (MANE Select); coding-DNA position 998, A replaced by G.
Protein change: p.Asp333Gly; replaces aspartic acid 333 with glycine.
Molecular consequence: missense variant.
Genome position (GRCh38, 1-based): chr5:36,201,120, T>C on the plus strand (A>G on the coding strand, the complement: NADK2 is on the minus strand). VCF-style: chr5-36201120-T-C. GRCh37 (hg19) VCF-style: chr5-36201222-T-C.
Other names: c.509A>G, p.Asp170Gly (NM_001287340.2, NM_153013.5); c.575A>G, p.Asp192Gly (NM_001287341.2); short protein forms D333G, D192G, D170G.
Identifiers: ClinVar variation 3718318 (VCV003718318.2).